The following is an entry in ClinVar:

ClinVar aggregate classification (germline): Uncertain significance (1 of 4 stars; one submission).

Conditions:
STT3A-congenital disorder of glycosylation. Also called: Congenital disorder of glycosylation type 1w; STT3A-CDG; CONGENITAL DISORDER OF GLYCOSYLATION, TYPE Iw, AUTOSOMAL RECESSIVE. Identifiers: Orphanet 370921, MedGen C5561935, MONDO:0014270, OMIM 615596.

Submission:

Neuberg Centre For Genomic Medicine, NCGM
Classification: Uncertain significance for STT3A-congenital disorder of glycosylation. Review status: criteria provided, single submitter. Criteria: ACMG Guidelines, 2015. Collection method: clinical testing. Allele origin: germline. Inheritance: Autosomal dominant inheritance. Affected: yes.
Comment: This variant has not been reported previously in literature. For these reasons, this variant has been classified as Uncertain Significance.

NM_152713.5(STT3A):c.871A>T (p.Asn291Tyr)

Gene: STT3A (STT3 oligosaccharyltransferase complex catalytic subunit A; plus strand). Cytogenetic location: 11q24.2.
Variant type: single nucleotide variant.
Coding change: c.871A>T on transcript NM_152713.5 (MANE Select); coding-DNA position 871, A replaced by T.
Protein change: p.Asn291Tyr; replaces asparagine 291 with tyrosine.
Molecular consequence: missense variant.
Genome position (GRCh38, 1-based): chr11:125,608,199, A>T. VCF-style: chr11-125608199-A-T. GRCh37 (hg19) VCF-style: chr11-125478094-A-T.
Other names: c.871A>T, p.Asn291Tyr (NM_001278503.2); c.595A>T, p.Asn199Tyr (NM_001278504.2); short protein forms N199Y, N291Y.
Identifiers: ClinVar variation 4086119 (VCV004086119.1).